The following is an entry in ClinVar:

ClinVar aggregate classification (germline): Pathogenic (1 of 4 stars; one submission).

gnomAD v4.1: 1 of 1,612,710 alleles (0.000062%); highest among the groups gnomAD compares: Non-Finnish European, 0.000085%; no homozygotes.

Submission:

Labcorp Genetics (formerly Invitae), Labcorp
Classification: Pathogenic. Last evaluated: 2025-09-17. Review status: criteria provided, single submitter. Criteria: Invitae Variant Classification Sherloc (09022015). Collection method: clinical testing. Allele origin: germline.
Comment: This sequence change creates a premature translational stop signal (p.Gln1337*) in the CACNA1B gene. It is expected to result in an absent or disrupted protein product. Loss-of-function variants in CACNA1B are known to be pathogenic (PMID: 30982612). This variant is not present in population databases (gnomAD no frequency). This variant has not been reported in the literature in individuals affected with CACNA1B-related conditions. For these reasons, this variant has been classified as Pathogenic.

Literature cited by the submitters: PubMed 30982612.

NM_000718.4(CACNA1B):c.4009C>T (p.Gln1337Ter)

Gene: CACNA1B (calcium voltage-gated channel subunit alpha1 B; plus strand). Cytogenetic location: 9q34.3.
Variant type: single nucleotide variant.
Coding change: c.4009C>T on transcript NM_000718.4 (MANE Select); coding-DNA position 4009, C replaced by T.
Protein change: p.Gln1337Ter; replaces glutamine 1337 with a stop codon.
Molecular consequence: nonsense.
Genome position (GRCh38, 1-based): chr9:138,057,772, C>T. VCF-style: chr9-138057772-C-T. GRCh37 (hg19) VCF-style: chr9-140952224-C-T.
Other names: c.4009C>T, p.Gln1337Ter (NM_001243812.2); short protein forms Q1337*.
Identifiers: ClinVar variation 4762021 (VCV004762021.1).